The following is an entry in ClinVar:

NM_000217.3(KCNA1):c.12G>T (p.Met4Ile)

Genes: KCNA1 (potassium voltage-gated channel subfamily A member 1; plus strand), LOC130007218 (ATAC-STARR-seq lymphoblastoid silent region 4155; plus strand). Cytogenetic location: 12p13.32.
Variant type: single nucleotide variant.
Coding change: c.12G>T on transcript NM_000217.3 (MANE Select); coding-DNA position 12, G replaced by T.
Protein change: p.Met4Ile; replaces methionine 4 with isoleucine.
Molecular consequence: missense variant.
Genome position (GRCh38, 1-based): chr12:4,911,390, G>T. VCF-style: chr12-4911390-G-T. GRCh37 (hg19) VCF-style: chr12-5020556-G-T.
Other names: short protein forms M4I.
Identifiers: ClinVar variation 586087 (VCV000586087.27), dbSNP rs773128496, ClinGen allele CA6399325.

ClinVar aggregate classification (germline): Uncertain significance. Review status: criteria provided, multiple submitters, no conflicts (2 of 4 stars). 3 submissions from 3 submitters: Uncertain significance (3). Last evaluated 2025-08-09.

Conditions:
Inborn genetic diseases. Identifiers: MedGen C0950123, MeSH D030342.

Allele frequency attached by ClinVar (database versions not stated): TOPMed below 0.00001; gnomAD 0.00001.

Submissions (3):

Ambry Genetics
Classification: Uncertain significance for Inborn genetic diseases. Last evaluated: 2025-08-09. Review status: criteria provided, single submitter. Criteria: Ambry Variant Classification Scheme 2023. Collection method: clinical testing. Allele origin: germline.

CeGaT Center for Human Genetics Tuebingen
Classification: Uncertain significance. Last evaluated: 2023-10-01. Review status: criteria provided, single submitter. Criteria: CeGaT Center For Human Genetics Tuebingen Variant Classification Criteria Version 2. Collection method: clinical testing. Allele origin: germline. Affected: yes. Observed: 1 variant allele.
Comment: KCNA1: PP2

Athena Diagnostics
Classification: Uncertain significance. Last evaluated: 2019-12-20. Review status: criteria provided, single submitter. Criteria: Athena Diagnostics Criteria. Collection method: clinical testing. Allele origin: unknown.